The following is an entry in ClinVar:

ClinVar aggregate classification (germline): Uncertain significance (1 of 4 stars; one submission).

Conditions:
Duchenne muscular dystrophy (DMD). Also called: MUSCULAR DYSTROPHY, PSEUDOHYPERTROPHIC PROGRESSIVE, DUCHENNE TYPE; Duchenne Muscular Dystrophy (DMD). Identifiers: Orphanet 98896, MedGen C0013264, MONDO:0010679, OMIM 310200.

gnomAD v4.1: 4 of 1,206,077 alleles (0.00033%); highest among the groups gnomAD compares: Non-Finnish European, 0.00045%; no homozygotes.

Submission:

Labcorp Genetics (formerly Invitae), Labcorp
Classification: Uncertain significance for Duchenne muscular dystrophy. Last evaluated: 2025-09-14. Review status: criteria provided, single submitter. Criteria: Invitae Variant Classification Sherloc (09022015). Collection method: clinical testing. Allele origin: germline.
Comment: This sequence change replaces aspartic acid, which is acidic and polar, with asparagine, which is neutral and polar, at codon 485 of the DMD protein (p.Asp485Asn). This variant is not present in population databases (gnomAD no frequency). This variant has not been reported in the literature in individuals affected with DMD-related conditions. Invitae Evidence Modeling of protein sequence and biophysical properties (such as structural, functional, and spatial information, amino acid conservation, physicochemical variation, residue mobility, and thermodynamic stability) indicates that this missense variant is not expected to disrupt DMD protein function with a negative predictive value of 95%. In summary, the available evidence is currently insufficient to determine the role of this variant in disease. Therefore, it has been classified as a Variant of Uncertain Significance.

NM_004006.3(DMD):c.1453G>A (p.Asp485Asn)

Gene: DMD (dystrophin; minus strand). Cytogenetic location: Xp21.1.
Variant type: single nucleotide variant.
Coding change: c.1453G>A on transcript NM_004006.3 (MANE Select); coding-DNA position 1453, G replaced by A.
Protein change: p.Asp485Asn; replaces aspartic acid 485 with asparagine.
Molecular consequence: missense variant.
Genome position (GRCh38, 1-based): chrX:32,614,332, C>T on the plus strand (G>A on the coding strand, the complement: DMD is on the minus strand). VCF-style: chrX-32614332-C-T. GRCh37 (hg19) VCF-style: chrX-32632449-C-T.
Other names: c.1429G>A, p.Asp477Asn (NM_000109.4); c.1441G>A, p.Asp481Asn (NM_004009.3); c.1084G>A, p.Asp362Asn (NM_004010.3); short protein forms D481N, D485N, D477N, D362N.
Identifiers: ClinVar variation 4733055 (VCV004733055.1).